The following is an entry in ClinVar:

NM_000458.4(HNF1B):c.401T>A (p.Ile134Asn)

Gene: HNF1B (HNF1 homeobox B; minus strand). Cytogenetic location: 17q12.
Variant type: single nucleotide variant.
Coding change: c.401T>A on transcript NM_000458.4 (MANE Select); coding-DNA position 401, T replaced by A.
Protein change: p.Ile134Asn; replaces isoleucine 134 with asparagine.
Molecular consequence: missense variant.
Genome position (GRCh38, 1-based): chr17:37,739,583, A>T on the plus strand (T>A on the coding strand, the complement: HNF1B is on the minus strand). VCF-style: chr17-37739583-A-T. GRCh37 (hg19) VCF-style: chr17-36099574-A-T.
Other names: c.401T>A, p.Ile134Asn (NM_001165923.4, NM_001304286.2); short protein forms I134N.
Identifiers: ClinVar variation 1472601 (VCV001472601.6), dbSNP rs2147575462, ClinGen allele CA398751583.

ClinVar aggregate classification (germline): Uncertain significance (1 of 4 stars; one submission).

Submission:

Labcorp Genetics (formerly Invitae), Labcorp
Classification: Uncertain significance. Last evaluated: 2021-09-26. Review status: criteria provided, single submitter. Criteria: Invitae Variant Classification Sherloc (09022015). Collection method: clinical testing. Allele origin: germline.
Comment: In summary, the available evidence is currently insufficient to determine the role of this variant in disease. Therefore, it has been classified as a Variant of Uncertain Significance. Advanced modeling of protein sequence and biophysical properties (such as structural, functional, and spatial information, amino acid conservation, physicochemical variation, residue mobility, and thermodynamic stability) performed at Invitae indicates that this missense variant is expected to disrupt HNF1B protein function. This variant has not been reported in the literature in individuals affected with HNF1B-related conditions. This variant is not present in population databases (ExAC no frequency). This sequence change replaces isoleucine with asparagine at codon 134 of the HNF1B protein (p.Ile134Asn). The isoleucine residue is highly conserved and there is a large physicochemical difference between isoleucine and asparagine.